The following is an entry in ClinVar:

ClinVar aggregate classification (germline): Uncertain significance (1 of 4 stars; one submission).

Conditions:
Weiss-Kruszka syndrome. Also called: Metopic ridging-ptosis-facial dysmorphism syndrome. Identifiers: Orphanet 502430, MedGen C5568107, MONDO:0032836, OMIM 618619.

Submission:

Laboratorio de Genetica e Diagnostico Molecular, Hospital Israelita Albert Einstein
Classification: Uncertain significance for Weiss-Kruszka syndrome. Last evaluated: 2025-06-24. Review status: criteria provided, single submitter. Criteria: ACMG Guidelines, 2015. Collection method: clinical testing. Allele origin: germline. Affected: yes.
Comment: ACMG classification criteria: PM2 supporting, PP2 supporting, BP4 supporting

NM_021224.6(ZNF462):c.3411C>G (p.His1137Gln)

Gene: ZNF462 (zinc finger protein 462; plus strand). Cytogenetic location: 9q31.2.
Variant type: single nucleotide variant.
Coding change: c.3411C>G on transcript NM_021224.6 (MANE Select); coding-DNA position 3411, C replaced by G.
Protein change: p.His1137Gln; replaces histidine 1137 with glutamine.
Molecular consequence: missense variant. On other transcripts: intron variant (1).
Genome position (GRCh38, 1-based): chr9:106,927,323, C>G. VCF-style: chr9-106927323-C-G. GRCh37 (hg19) VCF-style: chr9-109689604-C-G.
Other names: c.3252+159C>G (NM_001347997.2); short protein forms H1137Q.
Identifiers: ClinVar variation 4846970 (VCV004846970.1).
Genomic context (GRCh38, chr9:106,927,323, plus strand): 5'-ACACTGTTCCTACAGCAATCGGTCAGTTGTGGGAGTGCTTGTCCACTACCAGAAAAGACA[C>G]CCAGAAATAAAGGTTACTGCCAAATATATCAGACAGGCTCCTCCCACAGCTGCAATGATG-3'
Protein context (NP_067047.4, residues 1127-1147): VGVLVHYQKR[His1137Gln]PEIKVTAKYI